The following is an entry in ClinVar:

NM_024598.4(USB1):c.550G>A (p.Asp184Asn)

Gene: USB1 (U6 snRNA biogenesis phosphodiesterase 1; plus strand). Cytogenetic location: 16q21.
Variant type: single nucleotide variant.
Coding change: c.550G>A on transcript NM_024598.4 (MANE Select); coding-DNA position 550, G replaced by A.
Protein change: p.Asp184Asn; replaces aspartic acid 184 with asparagine.
Molecular consequence: missense variant.
Genome position (GRCh38, 1-based): chr16:58,017,380, G>A. VCF-style: chr16-58017380-G-A. GRCh37 (hg19) VCF-style: chr16-58051284-G-A.
Other names: c.496G>A, p.Asp166Asn (NM_001195302.2); c.397G>A, p.Asp133Asn (NM_001330568.2); short protein forms D133N, D166N, D184N.
Identifiers: ClinVar variation 3978138 (VCV003978138.1).

ClinVar aggregate classification (germline): Uncertain significance (1 of 4 stars; one submission).

Conditions:
Inborn genetic diseases. Identifiers: MedGen C0950123, MeSH D030342.

Submission:

Ambry Genetics
Classification: Uncertain significance for Inborn genetic diseases. Last evaluated: 2025-03-18. Review status: criteria provided, single submitter. Criteria: Ambry Variant Classification Scheme 2023. Collection method: clinical testing. Allele origin: germline.
Comment: The p.D184N variant (also known as c.550G>A), located in coding exon 5 of the USB1 gene, results from a G to A substitution at nucleotide position 550. The aspartic acid at codon 184 is replaced by asparagine, an amino acid with highly similar properties. This amino acid position is conserved. In addition, this alteration is predicted to be tolerated by in silico analysis. Based on the available evidence, the clinical significance of this variant remains unclear.